The following is an entry in ClinVar:

NM_001953.5(TYMP):c.1385C>G (p.Ser462Cys)

Genes: SCO2 (synthesis of cytochrome C oxidase 2; minus strand), TYMP (thymidine phosphorylase; minus strand), LOC130067862 (ATAC-STARR-seq lymphoblastoid silent region 13986; plus strand). Cytogenetic location: 22q13.33.
Variant type: single nucleotide variant.
Coding change: c.1385C>G on transcript NM_001953.5 (MANE Select); coding-DNA position 1385, C replaced by G.
Protein change: p.Ser462Cys; replaces serine 462 with cysteine.
Molecular consequence: missense variant. On other transcripts: intron variant (2).
Genome position (GRCh38, 1-based): chr22:50,525,834, G>C on the plus strand (C>G on the coding strand, the complement: TYMP is on the minus strand). VCF-style: chr22-50525834-G-C. GRCh37 (hg19) VCF-style: chr22-50964263-G-C.
Other names: c.1385C>G, p.Ser462Cys (NM_001113755.3, NM_001113756.3, NM_001257988.1); c.1400C>G, p.Ser467Cys (NM_001257989.1); c.-14+412C>G (NM_001169109.2); c.-14+167C>G (NM_001169110.1); short protein forms S467C, S462C.
Identifiers: ClinVar variation 1949495 (VCV001949495.2), dbSNP rs1327732434, ClinGen allele CA412196104.
Genomic context (GRCh38, chr22:50,525,834, plus strand): 5'-TGCTGCGGCGGCAGAACGAGCTCTGCGAAGGGCGAGGGGGCGGCGAATGGCGCGCGGTCG[G>C]AGAGTACGAGCGCCTCCTGCAGGGCGCGGCTCTGCGGGCCGCTGAGCGCGGGGCCGTCCC-3'
Protein context (NP_001944.1, residues 452-472): SRALQEALVL[Ser462Cys]DRAPFAAPSP

ClinVar aggregate classification (germline): Uncertain significance (1 of 4 stars; one submission).

Submission:

Labcorp Genetics (formerly Invitae), Labcorp
Classification: Uncertain significance. Last evaluated: 2022-08-13. Review status: criteria provided, single submitter. Criteria: Invitae Variant Classification Sherloc (09022015). Collection method: clinical testing. Allele origin: germline.
Comment: This sequence change replaces serine, which is neutral and polar, with cysteine, which is neutral and slightly polar, at codon 462 of the TYMP protein (p.Ser462Cys). This variant is not present in population databases (gnomAD no frequency). This variant has not been reported in the literature in individuals affected with TYMP-related conditions. Advanced modeling of protein sequence and biophysical properties (such as structural, functional, and spatial information, amino acid conservation, physicochemical variation, residue mobility, and thermodynamic stability) performed at Invitae indicates that this missense variant is not expected to disrupt TYMP protein function. In summary, the available evidence is currently insufficient to determine the role of this variant in disease. Therefore, it has been classified as a Variant of Uncertain Significance.